The following is an entry in ClinVar:

ClinVar aggregate classification (germline): Uncertain significance (1 of 4 stars; one submission).

gnomAD v4.1: 1 of 152,246 alleles (0.00066%); no homozygotes.

Submission:

Institute for Human Genetics, University Hospital Essen
Classification: Uncertain significance. Last evaluated: 2025-11-27. Review status: criteria provided, single submitter. Criteria: Submitter's publication. Collection method: clinical testing. Allele origin: de novo. Inheritance: Autosomal unknown. Affected: yes. Observed: 1 variant allele, 1 heterozygote.
Comment: PS2_supp, PM1_supp, PM2_supp (criteria rationale detailed in Leitão et al. Nature Genetics 2026)

NR_199791.1(RNU2-2):n.150T>G

Genes: RNU2-2 (RNA, U2 small nuclear 2; minus strand), WDR74 (WD repeat domain 74; minus strand). Cytogenetic location: 11q12.3.
Variant type: single nucleotide variant.
Molecular consequence: non-coding transcript variant (on NR_199791.1). On other transcripts: 5 prime UTR variant (1).
Genome position: GRCh38 VCF-style: chr11-62841660-A-C. GRCh37 (hg19) VCF-style: chr11-62609132-A-C.
Other names: c.-389T>G (NM_001369451.1).
Identifiers: ClinVar variation 4540530 (VCV004540530.1).